The following is an entry in ClinVar:

ClinVar aggregate classification (germline): Likely benign. Review status: criteria provided, single submitter (1 of 4 stars). 2 submissions from 2 submitters: Likely benign (1). 1 of the submissions does not count toward it. Last evaluated 2024-07-21.

Conditions:
Alagille syndrome due to a JAG1 point mutation. Also called: Alagille Syndrome 1; HEPATIC DUCTULAR HYPOPLASIA, SYNDROMATIC; JAG1-Related Alagille Syndrome. Identifiers: Orphanet 261619, Orphanet 52, MedGen C1956125, MONDO:0016862, OMIM 118450.
JAG1-related disorder. Also called: JAG1-related disorders; JAG1-related condition.

Allele frequency attached by ClinVar (database versions not stated): gnomAD exomes 0.00001; gnomAD 0.00001; TOPMed below 0.00001; ExAC 0.00001; 1000 Genomes Project 30x 0.00016; 1000 Genomes Project 0.00020.
gnomAD v4.1: 12 of 1,614,056 alleles (0.00074%); highest among the groups gnomAD compares: East Asian, 0.0067%; no homozygotes.

Submissions (2):

Labcorp Genetics (formerly Invitae), Labcorp
Classification: Likely benign for Alagille syndrome due to a JAG1 point mutation. Last evaluated: 2024-07-21. Review status: criteria provided, single submitter. Criteria: Invitae Variant Classification Sherloc (09022015). Collection method: clinical testing. Allele origin: germline.

PreventionGenetics, part of Exact Sciences
Classification: Likely benign for JAG1-related condition. Last evaluated: 2021-10-14. Review status: no assertion criteria provided. Collection method: clinical testing. Allele origin: germline. Not counted in ClinVar's aggregate classification.
Comment: This variant is classified as likely benign based on ACMG/AMP sequence variant interpretation guidelines (Richards et al. 2015 PMID: 25741868, with internal and published modifications).

NM_000214.3(JAG1):c.2418C>T (p.Cys806=)

Gene: JAG1 (jagged canonical Notch ligand 1; minus strand). Cytogenetic location: 20p12.2.
Variant type: single nucleotide variant.
Coding change: c.2418C>T on transcript NM_000214.3 (MANE Select); coding-DNA position 2418, C replaced by T.
Protein change: p.Cys806=; no amino-acid change (cysteine 806 retained).
Molecular consequence: synonymous variant.
Genome position (GRCh38, 1-based): chr20:10,643,818, G>A on the plus strand (C>T on the coding strand, the complement: JAG1 is on the minus strand). VCF-style: chr20-10643818-G-A. GRCh37 (hg19) VCF-style: chr20-10624466-G-A.
Other names: c.2418C>T (NM_000214.2).
Identifiers: ClinVar variation 2049275 (VCV002049275.6), dbSNP rs533306015, ClinGen allele CA9764507.